The following is an entry in ClinVar:

ClinVar aggregate classification (germline): Likely benign (1 of 4 stars; one submission).

Allele frequency attached by ClinVar (database versions not stated): gnomAD 0.00401; ESP Exome Variant Server 0.00408; TOPMed 0.00414; ExAC 0.00438; 1000 Genomes Project 0.00180; 1000 Genomes Project 30x 0.00187.
gnomAD v4.1: 7,592 of 1,614,216 alleles (0.47%); highest among the groups gnomAD compares: Middle Eastern, 4.8%; 55 homozygotes.

Submission:

CeGaT Center for Human Genetics Tuebingen
Classification: Likely benign. Last evaluated: 2023-04-01. Review status: criteria provided, single submitter. Criteria: CeGaT Center For Human Genetics Tuebingen Variant Classification Criteria Version 2. Collection method: clinical testing. Allele origin: germline. Affected: yes. Observed: 1 variant allele.
Comment: HEATR4: BP4, BP7, BS2

NM_001220484.1(HEATR4):c.249G>C (p.Leu83=)

Genes: ACOT1 (acyl-CoA thioesterase 1; plus strand), HEATR4 (HEAT repeat containing 4; minus strand). Cytogenetic location: 14q24.3.
Variant type: single nucleotide variant.
Coding change: c.249G>C on transcript NM_001220484.1 (MANE Select); coding-DNA position 249, G replaced by C.
Protein change: p.Leu83=; no amino-acid change (leucine 83 retained).
Molecular consequence: synonymous variant.
Genome position (GRCh38, 1-based): chr14:73,522,904, C>G on the plus strand (G>C on the coding strand, the complement: HEATR4 is on the minus strand). VCF-style: chr14-73522904-C-G. GRCh37 (hg19) VCF-style: chr14-73989608-C-G.
Other names: c.249G>C, p.Leu83= (NM_203309.2).
Identifiers: ClinVar variation 2644363 (VCV002644363.24), dbSNP rs149611197, ClinGen allele CA7260250.